The following is an entry in ClinVar:

NM_203486.3(DLL3):c.545C>G (p.Ala182Gly)

Genes: DLL3 (delta like canonical Notch ligand 3; plus strand), LOC130064417 (ATAC-STARR-seq lymphoblastoid silent region 10608; plus strand). Cytogenetic location: 19q13.2.
Variant type: single nucleotide variant.
Coding change: c.545C>G on transcript NM_203486.3 (MANE Select); coding-DNA position 545, C replaced by G.
Protein change: p.Ala182Gly; replaces alanine 182 with glycine.
Molecular consequence: missense variant.
Genome position (GRCh38, 1-based): chr19:39,502,950, C>G. VCF-style: chr19-39502950-C-G. GRCh37 (hg19) VCF-style: chr19-39993590-C-G.
Other names: c.545C>G, p.Ala182Gly (NM_016941.4); short protein forms A182G.
Identifiers: ClinVar variation 4698844 (VCV004698844.1).
Genomic context (GRCh38, chr19:39,502,950, plus strand): 5'-TTCAGCGCGCAGGCGCCTGGGAGCTGCGCTTCTCGTACCGCGCGCGCTGCGAGCCGCCTG[C>G]CGTCGGGACCGCGTGCACGCGCCTCTGCCGTCCGCGCAGCGCCCCCTCGCGGTGCGGTCC-3'
Protein context (NP_982353.1, residues 172-192): FSYRARCEPP[Ala182Gly]VGTACTRLCR

ClinVar aggregate classification (germline): Uncertain significance (1 of 4 stars; one submission).

Submission:

Labcorp Genetics (formerly Invitae), Labcorp
Classification: Uncertain significance. Last evaluated: 2025-09-19. Review status: criteria provided, single submitter. Criteria: Invitae Variant Classification Sherloc (09022015). Collection method: clinical testing. Allele origin: germline.
Comment: This sequence change replaces alanine, which is neutral and non-polar, with glycine, which is neutral and non-polar, at codon 182 of the DLL3 protein (p.Ala182Gly). This variant is not present in population databases (gnomAD no frequency). This variant has not been reported in the literature in individuals affected with DLL3-related conditions. An algorithm developed to predict the effect of missense changes on protein structure and function (PolyPhen-2) suggests that this variant is likely to be disruptive. In summary, the available evidence is currently insufficient to determine the role of this variant in disease. Therefore, it has been classified as a Variant of Uncertain Significance.